The following is an entry in ClinVar:

NM_015331.3(NCSTN):c.1289T>A (p.Phe430Tyr)

Gene: NCSTN (nicastrin; plus strand). Cytogenetic location: 1q23.2.
Variant type: single nucleotide variant.
Coding change: c.1289T>A on transcript NM_015331.3 (MANE Select); coding-DNA position 1289, T replaced by A.
Protein change: p.Phe430Tyr; replaces phenylalanine 430 with tyrosine.
Molecular consequence: missense variant.
Genome position (GRCh38, 1-based): chr1:160,354,227, T>A. VCF-style: chr1-160354227-T-A. GRCh37 (hg19) VCF-style: chr1-160324017-T-A.
Other names: c.1229T>A, p.Phe410Tyr (NM_001290184.2); c.875T>A, p.Phe292Tyr (NM_001290186.2); c.1289T>A, p.Phe430Tyr (NM_001349729.2); short protein forms F430Y, F292Y, F410Y.
Identifiers: ClinVar variation 2755536 (VCV002755536.3), dbSNP rs757552167, ClinGen allele CA31539934.

ClinVar aggregate classification (germline): Uncertain significance (1 of 4 stars; one submission).

Allele frequency attached by ClinVar (database versions not stated): gnomAD exomes 0.00001.
gnomAD v4.1: 18 of 1,614,174 alleles (0.0011%); highest among the groups gnomAD compares: Non-Finnish European, 0.0015%; no homozygotes.

Submission:

Labcorp Genetics (formerly Invitae), Labcorp
Classification: Uncertain significance. Last evaluated: 2023-08-27. Review status: criteria provided, single submitter. Criteria: Invitae Variant Classification Sherloc (09022015). Collection method: clinical testing. Allele origin: germline.
Comment: In summary, the available evidence is currently insufficient to determine the role of this variant in disease. Therefore, it has been classified as a Variant of Uncertain Significance. Advanced modeling of protein sequence and biophysical properties (such as structural, functional, and spatial information, amino acid conservation, physicochemical variation, residue mobility, and thermodynamic stability) performed at Invitae indicates that this missense variant is expected to disrupt NCSTN protein function. This variant has not been reported in the literature in individuals affected with NCSTN-related conditions. This variant is not present in population databases (gnomAD no frequency). This sequence change replaces phenylalanine, which is neutral and non-polar, with tyrosine, which is neutral and polar, at codon 430 of the NCSTN protein (p.Phe430Tyr).